The following is an entry in ClinVar:

ClinVar aggregate classification (germline): Uncertain significance. Review status: criteria provided, multiple submitters, no conflicts (2 of 4 stars). 3 submissions from 3 submitters: Uncertain significance (3). Last evaluated 2024-12-18.

Conditions:
Hereditary cancer-predisposing syndrome. Also called: Hereditary neoplastic syndrome; Neoplastic Syndromes, Hereditary; Tumor predisposition; Hereditary Cancer Syndrome. Identifiers: Orphanet 140162, MedGen C0027672, MeSH D009386, MONDO:0015356.

Allele frequency attached by ClinVar (database versions not stated): gnomAD exomes below 0.00001 and 0.00001; ExAC 0.00002.

Submissions (3):

Labcorp Genetics (formerly Invitae), Labcorp
Classification: Uncertain significance. Last evaluated: 2024-12-18. Review status: criteria provided, single submitter. Criteria: Invitae Variant Classification Sherloc (09022015). Collection method: clinical testing. Allele origin: germline.
Comment: This sequence change replaces arginine, which is basic and polar, with histidine, which is basic and polar, at codon 616 of the CTNNA1 protein (p.Arg616His). This variant is present in population databases (rs781540605, gnomAD 0.002%). This variant has not been reported in the literature in individuals affected with CTNNA1-related conditions. ClinVar contains an entry for this variant (Variation ID: 1006406). Invitae Evidence Modeling of protein sequence and biophysical properties (such as structural, functional, and spatial information, amino acid conservation, physicochemical variation, residue mobility, and thermodynamic stability) indicates that this missense variant is not expected to disrupt CTNNA1 protein function with a negative predictive value of 80%. In summary, the available evidence is currently insufficient to determine the role of this variant in disease. Therefore, it has been classified as a Variant of Uncertain Significance.

Ambry Genetics
Classification: Uncertain significance for Hereditary cancer-predisposing syndrome. Last evaluated: 2024-05-30. Review status: criteria provided, single submitter. Criteria: Ambry Variant Classification Scheme 2023. Collection method: clinical testing. Allele origin: germline.
Comment: The p.R616H variant (also known as c.1847G>A), located in coding exon 12 of the CTNNA1 gene, results from a G to A substitution at nucleotide position 1847. The arginine at codon 616 is replaced by histidine, an amino acid with highly similar properties. This amino acid position is highly conserved in available vertebrate species. In addition, the in silico prediction for this alteration is inconclusive. The evidence for this gene-disease relationship is limited; therefore, the clinical significance of this alteration is unclear.

GeneDx
Classification: Uncertain significance. Last evaluated: 2024-05-20. Review status: criteria provided, single submitter. Criteria: GeneDx Variant Classification Process June 2021. Collection method: clinical testing. Allele origin: germline. Affected: yes.
Comment: In silico analysis supports that this missense variant has a deleterious effect on protein structure/function; Has not been previously published as pathogenic or benign to our knowledge

NM_001903.5(CTNNA1):c.1847G>A (p.Arg616His)

Gene: CTNNA1 (catenin alpha 1; plus strand). Cytogenetic location: 5q31.2.
Variant type: single nucleotide variant.
Coding change: c.1847G>A on transcript NM_001903.5 (MANE Select); coding-DNA position 1847, G replaced by A.
Protein change: p.Arg616His; replaces arginine 616 with histidine.
Molecular consequence: missense variant.
Genome position (GRCh38, 1-based): chr5:138,925,355, G>A. VCF-style: chr5-138925355-G-A. GRCh37 (hg19) VCF-style: chr5-138261044-G-A.
Other names: c.1847G>A (NM_001903.3); c.1847G>A, p.Arg616His (NM_001290307.3, NM_001323982.2, NM_001323983.1 and 2 more transcripts); c.1538G>A, p.Arg513His (NM_001290309.3); c.1478G>A, p.Arg493His (NM_001290310.3); c.737G>A, p.Arg246His (NM_001290312.1, NM_001323987.1, NM_001323988.1 and 17 more transcripts); c.1754G>A, p.Arg585His (NM_001323986.2); c.398G>A, p.Arg133His (NM_001324006.1, NM_001324007.1, NM_001324008.1 and 2 more transcripts); c.644G>A, p.Arg215His (NM_001324011.1); and 1 more; short protein forms R133H, R165H, R215H, R246H, R493H, R513H, R585H, R616H.
Identifiers: ClinVar variation 1006406 (VCV001006406.13), dbSNP rs781540605, ClinGen allele CA3432047.